The following is an entry in ClinVar:

NM_021927.3(GUF1):c.1490C>T (p.Ala497Val)

Gene: GUF1 (GTP binding elongation factor GUF1; plus strand). Cytogenetic location: 4p12.
Variant type: single nucleotide variant.
Coding change: c.1490C>T on transcript NM_021927.3 (MANE Select); coding-DNA position 1490, C replaced by T.
Protein change: p.Ala497Val; replaces alanine 497 with valine.
Molecular consequence: missense variant.
Genome position (GRCh38, 1-based): chr4:44,691,676, C>T. VCF-style: chr4-44691676-C-T. GRCh37 (hg19) VCF-style: chr4-44693693-C-T.
Other names: c.518C>T, p.Ala173Val (NM_001345867.2, NM_001345869.2); c.1490C>T, p.Ala497Val (NM_001345868.2); short protein forms A497V, A173V.
Identifiers: ClinVar variation 3684121 (VCV003684121.2).

ClinVar aggregate classification (germline): Uncertain significance (1 of 4 stars; one submission).

gnomAD v4.1: 4 of 1,585,584 alleles (0.00025%); highest among the groups gnomAD compares: Non-Finnish European, 0.00034%; no homozygotes.

Submission:

Labcorp Genetics (formerly Invitae), Labcorp
Classification: Uncertain significance. Last evaluated: 2024-06-21. Review status: criteria provided, single submitter. Criteria: Invitae Variant Classification Sherloc (09022015). Collection method: clinical testing. Allele origin: germline.
Comment: This sequence change replaces alanine, which is neutral and non-polar, with valine, which is neutral and non-polar, at codon 497 of the GUF1 protein (p.Ala497Val). This variant is not present in population databases (gnomAD no frequency). This variant has not been reported in the literature in individuals affected with GUF1-related conditions. Advanced modeling of protein sequence and biophysical properties (such as structural, functional, and spatial information, amino acid conservation, physicochemical variation, residue mobility, and thermodynamic stability) performed at Invitae indicates that this missense variant is not expected to disrupt GUF1 protein function with a negative predictive value of 80%. Algorithms developed to predict the effect of sequence changes on RNA splicing suggest that this variant may disrupt the consensus splice site. In summary, the available evidence is currently insufficient to determine the role of this variant in disease. Therefore, it has been classified as a Variant of Uncertain Significance.